The following is an entry in ClinVar:

NM_006648.4(WNK2):c.2171C>T (p.Pro724Leu)

Gene: WNK2 (WNK lysine deficient protein kinase 2; plus strand). Cytogenetic location: 9q22.31.
Variant type: single nucleotide variant.
Coding change: c.2171C>T on transcript NM_006648.4 (MANE Select); coding-DNA position 2171, C replaced by T.
Protein change: p.Pro724Leu; replaces proline 724 with leucine.
Molecular consequence: missense variant.
Genome position (GRCh38, 1-based): chr9:93,256,435, C>T. VCF-style: chr9-93256435-C-T. GRCh37 (hg19) VCF-style: chr9-96018717-C-T.
Other names: c.2171C>T, p.Pro724Leu (NM_001282394.3); short protein forms P724L.
Identifiers: ClinVar variation 4201861 (VCV004201861.1).
Genomic context (GRCh38, chr9:93,256,435, plus strand): 5'-TGAGCTTCGCCCCCGTGCTGCCGCCGCCCAGCACCCCCATGCCCACGGGCCCAGGCCAGC[C>T]AGCACCCCCCGGCCAGCAGGTGAGTGTGGCACCTCCTGTGGCCACTGTCCCTCCAGGCAG-3'
Protein context (NP_006639.3, residues 714-734): STPMPTGPGQ[Pro724Leu]APPGQQPPPL

ClinVar aggregate classification (germline): Uncertain significance (1 of 4 stars; one submission).

Submission:

Ambry Genetics
Classification: Uncertain significance. Last evaluated: 2025-09-01. Review status: criteria provided, single submitter. Criteria: Ambry Variant Classification Scheme 2023. Collection method: clinical testing. Allele origin: germline.
Comment: The p.P724L variant (also known as c.2171C>T), located in coding exon 9 of the WNK2 gene, results from a C to T substitution at nucleotide position 2171. The proline at codon 724 is replaced by leucine, an amino acid with similar properties. This amino acid position is conserved. In addition, this alteration is predicted to be tolerated by in silico analysis. Based on the available evidence, the clinical significance of this variant remains unclear.